The following is an entry in ClinVar:

NM_012414.4(RAB3GAP2):c.4029C>A (p.Asp1343Glu)

Gene: RAB3GAP2 (RAB3 GTPase activating non-catalytic protein subunit 2; minus strand). Cytogenetic location: 1q41.
Variant type: single nucleotide variant.
Coding change: c.4029C>A on transcript NM_012414.4 (MANE Select); coding-DNA position 4029, C replaced by A.
Protein change: p.Asp1343Glu; replaces aspartic acid 1343 with glutamic acid.
Molecular consequence: missense variant.
Genome position (GRCh38, 1-based): chr1:220,151,404, G>T on the plus strand (C>A on the coding strand, the complement: RAB3GAP2 is on the minus strand). VCF-style: chr1-220151404-G-T. GRCh37 (hg19) VCF-style: chr1-220324746-G-T.
Other names: short protein forms D1343E.
Identifiers: ClinVar variation 2187917 (VCV002187917.4), dbSNP rs1657751086, ClinGen allele CA344623867.

ClinVar aggregate classification (germline): Uncertain significance (1 of 4 stars; one submission).

Conditions:
Martsolf syndrome (MARTS). Also called: Congenital cataract with intellectual disability and hypogonadotropic hypogonadism syndrome. Identifiers: Orphanet 1387, MedGen C0796037, MONDO:0023910.
Warburg micro syndrome 2 (WARBM2). Also called: MICRO SYNDROME 2. Identifiers: Orphanet 2510, MedGen C3280214, MONDO:0013641, OMIM 614225.

Allele frequency attached by ClinVar (database versions not stated): gnomAD exomes below 0.00001; TOPMed below 0.00001.
gnomAD v4.1: 1 of 1,614,080 alleles (0.000062%); highest among the groups gnomAD compares: Admixed American, 0.0017%; no homozygotes.

Submission:

Labcorp Genetics (formerly Invitae), Labcorp
Classification: Uncertain significance for Martsolf syndrome; Warburg micro syndrome 2. Last evaluated: 2022-04-23. Review status: criteria provided, single submitter. Criteria: Invitae Variant Classification Sherloc (09022015). Collection method: clinical testing. Allele origin: germline.
Comment: Algorithms developed to predict the effect of missense changes on protein structure and function (SIFT, PolyPhen-2, Align-GVGD) all suggest that this variant is likely to be tolerated. In summary, the available evidence is currently insufficient to determine the role of this variant in disease. Therefore, it has been classified as a Variant of Uncertain Significance. This variant has not been reported in the literature in individuals affected with RAB3GAP2-related conditions. This variant is not present in population databases (gnomAD no frequency). This sequence change replaces aspartic acid, which is acidic and polar, with glutamic acid, which is acidic and polar, at codon 1343 of the RAB3GAP2 protein (p.Asp1343Glu).